The following is an entry in ClinVar:

NM_005560.6(LAMA5):c.7512-7G>A

Gene: LAMA5 (laminin subunit alpha 5; minus strand). Cytogenetic location: 20q13.33.
Variant type: single nucleotide variant.
Coding change: c.7512-7G>A on transcript NM_005560.6 (MANE Select); 7 bases into the intron before coding-DNA position 7512, G replaced by A.
Molecular consequence: intron variant.
Genome position (GRCh38, 1-based): chr20:62,317,030, C>T on the plus strand (G>A on the coding strand, the complement: LAMA5 is on the minus strand). VCF-style: chr20-62317030-C-T. GRCh37 (hg19) VCF-style: chr20-60892086-C-T.
Identifiers: ClinVar variation 3036849 (VCV003036849.2), dbSNP rs746133684, ClinGen allele CA9941179.

ClinVar aggregate classification (germline): Likely benign (0 of 4 stars; one submission).

Conditions:
LAMA5-related disorder. Also called: LAMA5-Related Disorders; LAMA5-related condition.

Allele frequency attached by ClinVar (database versions not stated): gnomAD exomes 0.00002; TOPMed 0.00002; ExAC 0.00003; gnomAD 0.00003.
gnomAD v4.1: 32 of 1,519,136 alleles (0.0021%); highest among the groups gnomAD compares: Admixed American, 0.0043%; no homozygotes.

Submission:

PreventionGenetics, part of Exact Sciences
Classification: Likely benign for LAMA5-related condition. Last evaluated: 2022-12-19. Review status: no assertion criteria provided. Collection method: clinical testing. Allele origin: germline.
Comment: This variant is classified as likely benign based on ACMG/AMP sequence variant interpretation guidelines (Richards et al. 2015 PMID: 25741868, with internal and published modifications).